The following is an entry in ClinVar:

NM_005006.7(NDUFS1):c.2092+279T>C

Gene: NDUFS1 (NADH:ubiquinone oxidoreductase core subunit S1; minus strand). Cytogenetic location: 2q33.3.
Variant type: single nucleotide variant.
Coding change: c.2092+279T>C on transcript NM_005006.7 (MANE Select); 279 bases into the intron after coding-DNA position 2092, T replaced by C.
Molecular consequence: intron variant.
Genome position (GRCh38, 1-based): chr2:206,126,260, A>G on the plus strand (T>C on the coding strand, the complement: NDUFS1 is on the minus strand). VCF-style: chr2-206126260-A-G. GRCh37 (hg19) VCF-style: chr2-206990984-A-G.
Other names: c.1759+279T>C (NM_001199982.2); c.1921+279T>C (NM_001199983.2); c.1984+279T>C (NM_001199981.2); c.2134+279T>C (NM_001199984.2).
Identifiers: ClinVar variation 683049 (VCV000683049.1), dbSNP rs4147727, ClinGen allele CA15177374.
Genomic context (GRCh38, chr2:206,126,260, plus strand): 5'-TGATTCTTCCACCTATAATTCTCAGAAAAACCTGCAGTTATTTGCCACTTTGGAAAATTC[A>G]CCATAAATTGCTACACAGTGACTTTCCTTACAACAGCAAAATTTTATATTTAAAATCTAT-3'

ClinVar aggregate classification (germline): Benign (1 of 4 stars; one submission).

Allele frequency attached by ClinVar (database versions not stated): 1000 Genomes Project 0.49181; 1000 Genomes Project 30x 0.50843; gnomAD 0.52520 and 0.53535; TOPMed 0.53286.

Submission:

GeneDx
Classification: Benign. Last evaluated: 2018-06-14. Review status: criteria provided, single submitter. Criteria: GeneDx Variant Classification (06012015). Collection method: clinical testing. Allele origin: germline. Affected: yes.
Comment: This variant is considered likely benign or benign based on one or more of the following criteria: it is a conservative change, it occurs at a poorly conserved position in the protein, it is predicted to be benign by multiple in silico algorithms, and/or has population frequency not consistent with disease.